The following is an entry in ClinVar:

ClinVar aggregate classification (germline): Uncertain significance (1 of 4 stars; one submission).

Conditions:
Inborn genetic diseases. Identifiers: MedGen C0950123, MeSH D030342.

gnomAD v4.1: 1 of 1,614,078 alleles (0.000062%); highest among the groups gnomAD compares: Non-Finnish European, 0.000085%; no homozygotes.

Submission:

Ambry Genetics
Classification: Uncertain significance for Inborn genetic diseases. Last evaluated: 2025-04-05. Review status: criteria provided, single submitter. Criteria: Ambry Variant Classification Scheme 2023. Collection method: clinical testing. Allele origin: germline.
Comment: The p.L1601P variant (also known as c.4802T>C), located in coding exon 32 of the ANKRD26 gene, results from a T to C substitution at nucleotide position 4802. The leucine at codon 1601 is replaced by proline, an amino acid with similar properties. This amino acid position is conserved. In addition, the in silico prediction for this alteration is inconclusive. Based on the available evidence, the clinical significance of this variant remains unclear.

NM_014915.3(ANKRD26):c.4802T>C (p.Leu1601Pro)

Gene: ANKRD26 (ankyrin repeat domain containing 26; minus strand). Cytogenetic location: 10p12.1.
Variant type: single nucleotide variant.
Coding change: c.4802T>C on transcript NM_014915.3 (MANE Select); coding-DNA position 4802, T replaced by C.
Protein change: p.Leu1601Pro; replaces leucine 1601 with proline.
Molecular consequence: missense variant.
Genome position (GRCh38, 1-based): chr10:27,013,033, A>G on the plus strand (T>C on the coding strand, the complement: ANKRD26 is on the minus strand). VCF-style: chr10-27013033-A-G. GRCh37 (hg19) VCF-style: chr10-27301962-A-G.
Other names: c.4799T>C, p.Leu1600Pro (NM_001256053.2); short protein forms L1600P, L1601P.
Identifiers: ClinVar variation 3912435 (VCV003912435.1).